The following continues an entry in ClinVar:

NM_007294.4(BRCA1):c.21C>T (p.Arg7=)

Gene: BRCA1. ClinVar aggregate classification (germline): Benign. Benign (1).

Submissions 21 to 25 of 25:

Counsyl
Classification: Likely benign for Breast-ovarian cancer, familial 1. Last evaluated: 2014-09-26. Review status: no assertion criteria provided. Collection method: literature only. Allele origin: unknown. Inheritance: Autosomal dominant inheritance. Not counted in ClinVar's aggregate classification.

Brotman Baty Institute, University of Washington
No classification provided (evidence only). Condition: Breast-ovarian cancer, familial 1. Review status: no classification provided. Collection method: in vitro. Allele origin: not applicable. Functional consequence: functionally_normal. Not counted in ClinVar's aggregate classification.
ClinVar note: "not provided" was previously submitted as the classification for the variant. However, the classification appeared to be based only on an observation of functional data so it was converted to no classification on 2025-07-30.

Clinical Genetics DNA and cytogenetics Diagnostics Lab, Erasmus MC, Erasmus Medical Center
Classification: Likely benign. Review status: no assertion criteria provided. Collection method: clinical testing. Allele origin: germline. Affected: yes. Study: VKGL Data-share Consensus. Not counted in ClinVar's aggregate classification.

Clinical Genetics Laboratory, Department of Pathology, Netherlands Cancer Institute
Classification: Benign. Review status: no assertion criteria provided. Collection method: clinical testing. Allele origin: germline. Affected: yes. Study: VKGL Data-share Consensus. Not counted in ClinVar's aggregate classification.

Department of Pathology and Laboratory Medicine, Sinai Health System
Classification: Likely benign for Malignant tumor of breast. Review status: no assertion criteria provided. Collection method: clinical testing. Allele origin: unknown. Affected: yes. Study: The Canadian Open Genetics Repository (COGR). Not counted in ClinVar's aggregate classification.
Comment: The BRCA1, p.Arg7Arg variant was identified in 25 of 112686 proband chromosomes (frequency: 0.0002) from individuals or families with breast cancer (Fackenthal 2011, Houdayer 2012, Judkins 2005). The variant was also identified in dbSNP (ID: rs149402012) as â€šÃ„Ãºotherâ€šÃ„Ã¹, Clinvitae database (uncertain significance by EmvClass, likely benign by ClinVar, benign by Invitae), ARUP COSMIC, the ClinVar database (uncertain significance by COG-CHEO, likely benign by Ambry Genetics and Counsyl, benign by GeneDx, Emory Genetics and Invitae), GeneInsight COGR database (uncertain significance by COG-CHEO, likely benign by COG-NYG, benign by LMM), UMD (56X with a â€šÃ„Ãºlikely neutralâ€šÃ„Ã¹ classification). In UMD the variant was identified with a co-occurring pathogenic BRCA1 variant (c.4484G>T, p.Arg1495Met), increasing the likelihood that the p.Arg7Arg variant does not have clinical significance. This variant was identified in the 1000 Genomes Project in 8 of 5000 chromosomes (frequency: 0.002), NHLBI GO Exome Sequencing Project in 22 of 4404 African American alleles, Exome Aggregation Consortium database (August 8, 2016) in 63 (1 homozygous) of 120800 chromosomes (freq. 0.0005) in the following populations: African in 59 of 10322 chromosomes (freq. 0.006), and Latino in 4 of 11516 chromosomes (freq. 0.0003), increasing the likelihood that this may be a low frequency benign variant in certain populations of origin. The p.Arg7Arg variant is not expected to have clinical significance because it does not result in a change of amino acid and is not located in a known consensus splice site. In addition, 1 of 5 in silico or computational prediction software programs (SpliceSiteFinder, MaxEntScan, NNSPLICE, GeneSplicer, HumanSpliceFinder) predict a greater than 10% difference in splicing; this is not very predictive of pathogenicity. In summary, based on the above information, the clinical significance of this variant cannot be determined with certainty at this time although we would lean towards a more benign role for this variant. This variant is classified as likely benign.

Literature cited by the submitters: DOI 10.3389/fgene.2022.834265 (cited by National Health Laboratory Service, Universitas Academic Hospital and University of the Free State); PubMed 36329109 (cited by Genetics Program, Instituto Nacional de Cancer); PubMed 30209399 (cited by Genetics Program, Instituto Nacional de Cancer); PubMed 16267036 (cited by Eurofins Ntd Llc (ga) and Counsyl); PubMed 22505045 (cited by Counsyl); PubMed 22034289 (cited by Counsyl).